The following is an entry in ClinVar:

NM_152618.3(BBS12):c.1627G>A (p.Glu543Lys)

Gene: BBS12 (Bardet-Biedl syndrome 12; plus strand). Cytogenetic location: 4q27.
Variant type: single nucleotide variant.
Coding change: c.1627G>A on transcript NM_152618.3 (MANE Select); coding-DNA position 1627, G replaced by A.
Protein change: p.Glu543Lys; replaces glutamic acid 543 with lysine.
Molecular consequence: missense variant.
Genome position (GRCh38, 1-based): chr4:122,743,519, G>A. VCF-style: chr4-122743519-G-A. GRCh37 (hg19) VCF-style: chr4-123664674-G-A.
Other names: c.1627G>A, p.Glu543Lys (NM_001178007.2); short protein forms E543K.
Identifiers: ClinVar variation 1043917 (VCV001043917.7), dbSNP rs1800928868, ClinGen allele CA358225526.
Genomic context (GRCh38, chr4:122,743,519, plus strand): 5'-GCCTATCGTTTGTATTATGCTCTAAAAGAGGAAAAGGTCTTCCTTGGAGGTGGTGCAGTT[G>A]AATTTTTGTGTCTTAGCTGTCTTCATATTCTTGCAGAGCAATCTCTGAAAAAAGAAAACC-3'
Protein context (NP_689831.2, residues 533-553): EKVFLGGGAV[Glu543Lys]FLCLSCLHIL

ClinVar aggregate classification (germline): Pathogenic/Likely pathogenic. Review status: criteria provided, multiple submitters, no conflicts (2 of 4 stars). 2 submissions from 2 submitters: Pathogenic (1); Likely pathogenic (1). Last evaluated 2025-07-10.

Conditions:
Bardet-Biedl syndrome (BBS). Identifiers: Orphanet 110, MedGen C0752166, MONDO:0015229.

Submissions (2):

Women's Health and Genetics/Laboratory Corporation of America, LabCorp
Classification: Likely pathogenic for Bardet-Biedl syndrome. Last evaluated: 2025-07-10. Review status: criteria provided, single submitter. Criteria: LabCorp Variant Classification Summary - May 2015. Collection method: clinical testing. Allele origin: germline.
Comment: Variant summary: BBS12 c.1627G>A (p.Glu543Lys) results in a conservative amino acid change in the encoded protein sequence. Algorithms developed to predict the effect of missense changes on protein structure and function are either unavailable or do not agree on the potential impact of this missense change. The variant was absent in 251462 control chromosomes. c.1627G>A has been reported in the literature in individuals affected with Bardet-Biedl Syndrome as a homozygous and compound heterozygous genotype (e.g. Holanda_2024, Perea-Romeo_2021, internal data). These data indicate that the variant is likely to be associated with disease. The following publications have been ascertained in the context of this evaluation (PMID: 38674450, 34448047). ClinVar contains an entry for this variant (Variation ID: 1043917). Based on the evidence outlined above, the variant was classified as likely pathogenic.

Labcorp Genetics (formerly Invitae), Labcorp
Classification: Pathogenic for Bardet-Biedl syndrome. Last evaluated: 2023-09-19. Review status: criteria provided, single submitter. Criteria: Invitae Variant Classification Sherloc (09022015). Collection method: clinical testing. Allele origin: germline.
Comment: For these reasons, this variant has been classified as Pathogenic. Advanced modeling of protein sequence and biophysical properties (such as structural, functional, and spatial information, amino acid conservation, physicochemical variation, residue mobility, and thermodynamic stability) performed at Invitae indicates that this missense variant is expected to disrupt BBS12 protein function. ClinVar contains an entry for this variant (Variation ID: 1043917). This missense change has been observed in individual(s) with clinical features of Bardet-Biedl syndrome (Invitae). In at least one individual the data is consistent with being in trans (on the opposite chromosome) from a pathogenic variant. This variant is not present in population databases (gnomAD no frequency). This sequence change replaces glutamic acid, which is acidic and polar, with lysine, which is basic and polar, at codon 543 of the BBS12 protein (p.Glu543Lys).

Literature cited by the submitters: PubMed 34448047 (cited by Women's Health and Genetics/Laboratory Corporation of America, LabCorp); PubMed 38674450 (cited by Women's Health and Genetics/Laboratory Corporation of America, LabCorp).